The following is an entry in ClinVar:

NM_000069.3(CACNA1S):c.466G>A (p.Gly156Arg)

Gene: CACNA1S (calcium voltage-gated channel subunit alpha1 S; minus strand). Cytogenetic location: 1q32.1.
Variant type: single nucleotide variant.
Coding change: c.466G>A on transcript NM_000069.3 (MANE Select); coding-DNA position 466, G replaced by A.
Protein change: p.Gly156Arg; replaces glycine 156 with arginine.
Molecular consequence: missense variant.
Genome position (GRCh38, 1-based): chr1:201,092,047, C>T on the plus strand (G>A on the coding strand, the complement: CACNA1S is on the minus strand). VCF-style: chr1-201092047-C-T. GRCh37 (hg19) VCF-style: chr1-201061175-C-T.
Other names: short protein forms G156R.
Identifiers: ClinVar variation 2939668 (VCV002939668.3), dbSNP rs774299452, ClinGen allele CA083527.

ClinVar aggregate classification (germline): Uncertain significance (1 of 4 stars; one submission).

Conditions:
Malignant hyperthermia, susceptibility to, 5 (MHS5). Also called: CACNA1S-Related Malignant Hyperthermia Susceptibility. Identifiers: Orphanet 423, MedGen C1866077, MONDO:0011163, OMIM 601887.
Hypokalemic periodic paralysis, type 1. Also called: HypoPP; Hypokalemic Periodic Paralysis Type 1 (AD). Identifiers: Orphanet 681, MedGen C3714580, MONDO:0042979, OMIM 170400.

Allele frequency attached by ClinVar (database versions not stated): gnomAD exomes 0.00001; ExAC 0.00002.

Submission:

Labcorp Genetics (formerly Invitae), Labcorp
Classification: Uncertain significance for Hypokalemic periodic paralysis, type 1; Malignant hyperthermia, susceptibility to, 5. Last evaluated: 2023-12-25. Review status: criteria provided, single submitter. Criteria: Invitae Variant Classification Sherloc (09022015). Collection method: clinical testing. Allele origin: germline.
Comment: This sequence change replaces glycine, which is neutral and non-polar, with arginine, which is basic and polar, at codon 156 of the CACNA1S protein (p.Gly156Arg). This variant is present in population databases (rs774299452, gnomAD 0.002%). This variant has not been reported in the literature in individuals affected with CACNA1S-related conditions. Advanced modeling of protein sequence and biophysical properties (such as structural, functional, and spatial information, amino acid conservation, physicochemical variation, residue mobility, and thermodynamic stability) performed at Invitae indicates that this missense variant is not expected to disrupt CACNA1S protein function with a negative predictive value of 95%. In summary, the available evidence is currently insufficient to determine the role of this variant in disease. Therefore, it has been classified as a Variant of Uncertain Significance.